The following is an entry in ClinVar:

NM_001009611.4(PRAMEF4):c.1014C>T (p.Tyr338=)

Gene: PRAMEF4 (PRAME family member 4; minus strand). Cytogenetic location: 1p36.21.
Variant type: single nucleotide variant.
Coding change: c.1014C>T on transcript NM_001009611.4 (MANE Select); coding-DNA position 1014, C replaced by T.
Protein change: p.Tyr338=; no amino-acid change (tyrosine 338 retained).
Molecular consequence: synonymous variant.
Genome position (GRCh38, 1-based): chr1:12,879,967, G>A on the plus strand (C>T on the coding strand, the complement: PRAMEF4 is on the minus strand). VCF-style: chr1-12879967-G-A. GRCh37 (hg19) VCF-style: chr1-12939788-G-A.
Identifiers: ClinVar variation 2638273 (VCV002638273.24), dbSNP rs200552593, ClinGen allele CA18146477.

ClinVar aggregate classification (germline): Likely benign (1 of 4 stars; one submission).

Allele frequency attached by ClinVar (database versions not stated): ExAC 0.00137.

Submission:

CeGaT Center for Human Genetics Tuebingen
Classification: Likely benign. Last evaluated: 2026-04-01. Review status: criteria provided, single submitter. Criteria: CeGaT Center For Human Genetics Tuebingen Variant Classification Criteria Version 2. Collection method: clinical testing. Allele origin: germline. Affected: yes. Observed: 3 variant alleles.
Comment: PRAMEF4: BP4, BP7